The following is an entry in ClinVar:

NM_145331.3(MAP3K7):c.1318A>G (p.Ile440Val)

Gene: MAP3K7 (mitogen-activated protein kinase kinase kinase 7; minus strand). Cytogenetic location: 6q15.
Variant type: single nucleotide variant.
Coding change: c.1318A>G on transcript NM_145331.3 (MANE Select); coding-DNA position 1318, A replaced by G.
Protein change: p.Ile440Val; replaces isoleucine 440 with valine.
Molecular consequence: missense variant.
Genome position (GRCh38, 1-based): chr6:90,536,375, T>C on the plus strand (A>G on the coding strand, the complement: MAP3K7 is on the minus strand). VCF-style: chr6-90536375-T-C. GRCh37 (hg19) VCF-style: chr6-91246094-T-C.
Other names: c.1318A>G (NM_145331.1); c.1237A>G, p.Ile413Val (NM_003188.4, NM_145333.3); c.1318A>G, p.Ile440Val (NM_145332.3); short protein forms I413V, I440V.
Identifiers: ClinVar variation 3612979 (VCV003612979.3).

ClinVar aggregate classification (germline): Uncertain significance. Review status: criteria provided, multiple submitters, no conflicts (2 of 4 stars). 2 submissions from 2 submitters: Uncertain significance (2). Last evaluated 2025-10-01.

Conditions:
Inborn genetic diseases. Identifiers: MedGen C0950123, MeSH D030342.

gnomAD v4.1: 24 of 1,612,402 alleles (0.0015%); highest among the groups gnomAD compares: South Asian, 0.023%; no homozygotes.

Submissions (2):

Ambry Genetics
Classification: Uncertain significance for Inborn genetic diseases. Last evaluated: 2025-10-01. Review status: criteria provided, single submitter. Criteria: Ambry Variant Classification Scheme 2023. Collection method: clinical testing. Allele origin: germline.

Labcorp Genetics (formerly Invitae), Labcorp
Classification: Uncertain significance. Last evaluated: 2025-02-24. Review status: criteria provided, single submitter. Criteria: Invitae Variant Classification Sherloc (09022015). Collection method: clinical testing. Allele origin: germline.
Comment: This sequence change replaces isoleucine, which is neutral and non-polar, with valine, which is neutral and non-polar, at codon 440 of the MAP3K7 protein (p.Ile440Val). This variant is present in population databases (rs568609705, gnomAD 0.007%). This variant has not been reported in the literature in individuals affected with MAP3K7-related conditions. An algorithm developed to predict the effect of missense changes on protein structure and function outputs the following: PolyPhen-2: "Benign". The valine amino acid residue is found in multiple mammalian species, which suggests that this missense change does not adversely affect protein function. In summary, the available evidence is currently insufficient to determine the role of this variant in disease. Therefore, it has been classified as a Variant of Uncertain Significance.